The following is an entry in ClinVar:

ClinVar aggregate classification (germline): Uncertain significance. Review status: criteria provided, multiple submitters, no conflicts (2 of 4 stars). 2 submissions from 2 submitters: Uncertain significance (2). Last evaluated 2022-11-01.

Conditions:
Inborn genetic diseases. Identifiers: MedGen C0950123, MeSH D030342.

Submissions (2):

Labcorp Genetics (formerly Invitae), Labcorp
Classification: Uncertain significance. Last evaluated: 2022-11-01. Review status: criteria provided, single submitter. Criteria: Invitae Variant Classification Sherloc (09022015). Collection method: clinical testing. Allele origin: germline.
Comment: This sequence change replaces phenylalanine, which is neutral and non-polar, with leucine, which is neutral and non-polar, at codon 199 of the PRDM13 protein (p.Phe199Leu). This variant is not present in population databases (gnomAD no frequency). This variant has not been reported in the literature in individuals affected with PRDM13-related conditions. ClinVar contains an entry for this variant (Variation ID: 836920). Algorithms developed to predict the effect of missense changes on protein structure and function output the following: SIFT: "Tolerated"; PolyPhen-2: "Benign"; Align-GVGD: "Class C0". The leucine amino acid residue is found in multiple mammalian species, which suggests that this missense change does not adversely affect protein function. In summary, the available evidence is currently insufficient to determine the role of this variant in disease. Therefore, it has been classified as a Variant of Uncertain Significance.

Ambry Genetics
Classification: Uncertain significance for Inborn genetic diseases. Last evaluated: 2021-11-09. Review status: criteria provided, single submitter. Criteria: Ambry Variant Classification Scheme 2023. Collection method: clinical testing. Allele origin: germline.

NM_021620.4(PRDM13):c.597C>A (p.Phe199Leu)

Gene: PRDM13 (PR/SET domain 13; plus strand). Cytogenetic location: 6q16.2.
Variant type: single nucleotide variant.
Coding change: c.597C>A on transcript NM_021620.4 (MANE Select); coding-DNA position 597, C replaced by A.
Protein change: p.Phe199Leu; replaces phenylalanine 199 with leucine.
Molecular consequence: missense variant.
Genome position (GRCh38, 1-based): chr6:99,613,232, C>A. VCF-style: chr6-99613232-C-A. GRCh37 (hg19) VCF-style: chr6-100061108-C-A.
Other names: short protein forms F199L.
Identifiers: ClinVar variation 836920 (VCV000836920.10), dbSNP rs1302961786, ClinGen allele CA365115748.
Genomic context (GRCh38, chr6:99,613,232, plus strand): 5'-AGGCGCCGTCCCAGCGGCTGATGGCCTCGGTCTCTCCCCAAAACCCCCGGCGCCCGATTT[C>A]GCCGCGCCTTCCCAGGCAGGAACTTTGCGACCCCACCCCCTGGGCCCGCCACCAGTTCAG-3'
Protein context (NP_067633.2, residues 189-209): GLSPKPPAPD[Phe199Leu]AAPSQAGTLR